The following is an entry in ClinVar:

NM_001035.3(RYR2):c.5152A>G (p.Arg1718Gly)

Gene: RYR2 (ryanodine receptor 2; plus strand). Cytogenetic location: 1q43.
Variant type: single nucleotide variant.
Coding change: c.5152A>G on transcript NM_001035.3 (MANE Select); coding-DNA position 5152, A replaced by G.
Protein change: p.Arg1718Gly; replaces arginine 1718 with glycine.
Molecular consequence: missense variant.
Genome position (GRCh38, 1-based): chr1:237,614,280, A>G. VCF-style: chr1-237614280-A-G. GRCh37 (hg19) VCF-style: chr1-237777580-A-G.
Other names: short protein forms R1718G.
Identifiers: ClinVar variation 3014461 (VCV003014461.3), dbSNP rs2546792244, ClinGen allele CA345404126.

ClinVar aggregate classification (germline): Uncertain significance (1 of 4 stars; one submission).

Conditions:
Catecholaminergic polymorphic ventricular tachycardia 1. Also called: VENTRICULAR TACHYCARDIA, CATECHOLAMINERGIC POLYMORPHIC, 1, WITH OR WITHOUT ATRIAL DYSFUNCTION AND/OR DILATED CARDIOMYOPATHY; VENTRICULAR TACHYCARDIA, STRESS-INDUCED POLYMORPHIC 1; RYR2-Related Catecholaminergic Polymorphic Ventricular Tachycardia. Identifiers: Orphanet 3286, MedGen C1631597, MONDO:0011484, OMIM 604772.

Allele frequency attached by ClinVar (database versions not stated): gnomAD exomes below 0.00001.
gnomAD v4.1: 1 of 1,614,016 alleles (0.000062%); highest among the groups gnomAD compares: Non-Finnish European, 0.000085%; no homozygotes.

Submission:

Labcorp Genetics (formerly Invitae), Labcorp
Classification: Uncertain significance for Catecholaminergic polymorphic ventricular tachycardia 1. Last evaluated: 2022-12-23. Review status: criteria provided, single submitter. Criteria: Invitae Variant Classification Sherloc (09022015). Collection method: clinical testing. Allele origin: germline.
Comment: Algorithms developed to predict the effect of missense changes on protein structure and function (SIFT, PolyPhen-2, Align-GVGD) all suggest that this variant is likely to be disruptive. This variant has not been reported in the literature in individuals affected with RYR2-related conditions. This variant is not present in population databases (gnomAD no frequency). This sequence change replaces arginine, which is basic and polar, with glycine, which is neutral and non-polar, at codon 1718 of the RYR2 protein (p.Arg1718Gly). In summary, the available evidence is currently insufficient to determine the role of this variant in disease. Therefore, it has been classified as a Variant of Uncertain Significance.